The following is an entry in ClinVar:

ClinVar aggregate classification (germline): Pathogenic/Likely pathogenic. Review status: criteria provided, multiple submitters, no conflicts (2 of 4 stars). 2 submissions from 2 submitters: Pathogenic (1); Likely pathogenic (1). Last evaluated 2024-06-18.

Conditions:
Spinocerebellar ataxia type 40. Identifiers: Orphanet 423275, MedGen C4518336, MONDO:0014475, OMIM 616053.
Hydrocephalus, nonsyndromic, autosomal recessive 1 (HYC1). Also called: Hydrocephalus, nonsyndromic, autosomal recessive; Congenital hydrocephalus 1. Identifiers: Orphanet 2185, MedGen C3887608, MONDO:0009360, OMIM 236600.

Submissions (2):

Fulgent Genetics
Classification: Likely pathogenic for Hydrocephalus, nonsyndromic, autosomal recessive 1; Spinocerebellar ataxia type 40. Last evaluated: 2024-06-18. Review status: criteria provided, single submitter. Criteria: ACMG Guidelines, 2015. Collection method: clinical testing. Allele origin: germline.

Labcorp Genetics (formerly Invitae), Labcorp
Classification: Pathogenic. Last evaluated: 2023-07-10. Review status: criteria provided, single submitter. Criteria: Invitae Variant Classification Sherloc (09022015). Collection method: clinical testing. Allele origin: germline.
Comment: For these reasons, this variant has been classified as Pathogenic. This variant has not been reported in the literature in individuals affected with CCDC88C-related conditions. This variant is not present in population databases (gnomAD no frequency). This sequence change creates a premature translational stop signal (p.Ser474Profs*37) in the CCDC88C gene. It is expected to result in an absent or disrupted protein product. Loss-of-function variants in CCDC88C are known to be pathogenic (PMID: 23042809, 29225145).

Literature cited by the submitters: PubMed 23042809 (cited by Labcorp Genetics (formerly Invitae), Labcorp); PubMed 29225145 (cited by Labcorp Genetics (formerly Invitae), Labcorp).

NM_001080414.4(CCDC88C):c.1420_1421del (p.Ser474fs)

Gene: CCDC88C (coiled-coil and HOOK domain protein 88C; minus strand). Cytogenetic location: 14q32.11.
Variant type: Microsatellite.
Coding change: c.1420_1421del on transcript NM_001080414.4 (MANE Select); coding-DNA positions 1420 to 1421, 2 bases deleted (AG; older notation c.1420_1421delAG).
Protein change: p.Ser474fs; shifts the reading frame from serine 474.
Molecular consequence: frameshift variant.
Genome position (GRCh38, 1-based): chr14:91,321,226-91,321,227, CT deleted on the plus strand (AG on the coding strand, the reverse complement: CCDC88C is on the minus strand); deleting any 2 consecutive bases within chr14:91,321,226-91,321,229 gives the same sequence; the c. name uses the placement nearest the transcript's 3' end. VCF-style (leftmost placement, unchanged base first): chr14-91321225-GCT-G. GRCh37 (hg19) VCF-style: chr14-91787569-GCT-G.
Other names: short protein forms S474fs.
Identifiers: ClinVar variation 2956067 (VCV002956067.4), dbSNP rs2544414231, ClinGen allele CA2626133472.